The following is an entry in ClinVar:

NM_022437.3(ABCG8):c.1139C>T (p.Pro380Leu)

Gene: ABCG8 (ATP binding cassette subfamily G member 8; plus strand). Cytogenetic location: 2p21.
Variant type: single nucleotide variant.
Coding change: c.1139C>T on transcript NM_022437.3 (MANE Select); coding-DNA position 1139, C replaced by T.
Protein change: p.Pro380Leu; replaces proline 380 with leucine.
Molecular consequence: missense variant.
Genome position (GRCh38, 1-based): chr2:43,872,234, C>T. VCF-style: chr2-43872234-C-T. GRCh37 (hg19) VCF-style: chr2-44099373-C-T.
Other names: c.1136C>T, p.Pro379Leu (NM_001357321.2); short protein forms P379L, P380L.
Identifiers: ClinVar variation 2165013 (VCV002165013.3), dbSNP rs1450566961, ClinGen allele CA346669074.

ClinVar aggregate classification (germline): Uncertain significance (1 of 4 stars; one submission).

Allele frequency attached by ClinVar (database versions not stated): gnomAD exomes below 0.00001; gnomAD 0.00002; TOPMed 0.00002.
gnomAD v4.1: 8 of 1,613,886 alleles (0.0005%); highest among the groups gnomAD compares: African/African-American, 0.008%; no homozygotes.

Submission:

Labcorp Genetics (formerly Invitae), Labcorp
Classification: Uncertain significance. Last evaluated: 2022-06-26. Review status: criteria provided, single submitter. Criteria: Invitae Variant Classification Sherloc (09022015). Collection method: clinical testing. Allele origin: germline.
Comment: This sequence change replaces proline, which is neutral and non-polar, with leucine, which is neutral and non-polar, at codon 380 of the ABCG8 protein (p.Pro380Leu). This variant is not present in population databases (gnomAD no frequency). This variant has not been reported in the literature in individuals affected with ABCG8-related conditions. Algorithms developed to predict the effect of missense changes on protein structure and function output the following: SIFT: "Tolerated"; PolyPhen-2: "Benign"; Align-GVGD: "Class C0". The leucine amino acid residue is found in multiple mammalian species, which suggests that this missense change does not adversely affect protein function. In summary, the available evidence is currently insufficient to determine the role of this variant in disease. Therefore, it has been classified as a Variant of Uncertain Significance.